The following is an entry in ClinVar:

ClinVar aggregate classification (germline): Uncertain significance. Review status: criteria provided, multiple submitters, no conflicts (2 of 4 stars). 4 submissions from 4 submitters: Uncertain significance (4). Last evaluated 2024-01-17.

Conditions:
Inborn genetic diseases. Identifiers: MedGen C0950123, MeSH D030342.
Autosomal recessive proximal renal tubular acidosis (PRTAO). Also called: RTA, PROXIMAL, AUTOSOMAL RECESSIVE; RENAL TUBULAR ACIDOSIS, PROXIMAL, WITH OCULAR ABNORMALITIES AND MENTAL RETARDATION; RENAL TUBULAR ACIDOSIS, PROXIMAL, WITH OCULAR ABNORMALITIES AND IMPAIRED INTELLECTUAL DEVELOPMENT; PROXIMAL RENAL TUBULAR ACIDOSIS-OCULAR ANOMALY SYNDROME. Identifiers: Orphanet 93607, MedGen C1970309, MONDO:0011422, OMIM 604278.

Allele frequency attached by ClinVar (database versions not stated): ExAC 0.00007; gnomAD exomes 0.00007 and 0.00019; TOPMed 0.00011; gnomAD 0.00013 and 0.00014; ESP Exome Variant Server 0.00031.

Submissions (4):

Fulgent Genetics
Classification: Uncertain significance for Autosomal recessive proximal renal tubular acidosis. Last evaluated: 2024-01-17. Review status: criteria provided, single submitter. Criteria: ACMG Guidelines, 2015. Collection method: clinical testing. Allele origin: germline.

Ambry Genetics
Classification: Uncertain significance for Inborn genetic diseases. Last evaluated: 2022-06-21. Review status: criteria provided, single submitter. Criteria: Ambry Variant Classification Scheme 2023. Collection method: clinical testing. Allele origin: germline.

Labcorp Genetics (formerly Invitae), Labcorp
Classification: Uncertain significance. Last evaluated: 2021-08-14. Review status: criteria provided, single submitter. Criteria: Invitae Variant Classification Sherloc (09022015). Collection method: clinical testing. Allele origin: germline.
Comment: This sequence change replaces methionine with valine at codon 127 of the SLC4A4 protein (p.Met127Val). The methionine residue is highly conserved and there is a small physicochemical difference between methionine and valine. This variant is present in population databases (rs139851720, ExAC 0.01%). This variant has not been reported in the literature in individuals affected with SLC4A4-related conditions. ClinVar contains an entry for this variant (Variation ID: 349534). Algorithms developed to predict the effect of missense changes on protein structure and function (SIFT, PolyPhen-2, Align-GVGD) all suggest that this variant is likely to be tolerated. In summary, the available evidence is currently insufficient to determine the role of this variant in disease. Therefore, it has been classified as a Variant of Uncertain Significance.

Illumina Laboratory Services, Illumina
Classification: Uncertain significance for Autosomal recessive proximal renal tubular acidosis. Last evaluated: 2018-01-13. Review status: criteria provided, single submitter. Criteria: ICSL Variant Classification Criteria 13 December 2019. Collection method: clinical testing. Allele origin: germline.

NM_001098484.3(SLC4A4):c.511A>G (p.Met171Val)

Gene: SLC4A4 (solute carrier family 4 member 4; plus strand). Cytogenetic location: 4q13.3.
Variant type: single nucleotide variant.
Coding change: c.511A>G on transcript NM_001098484.3 (MANE Select); coding-DNA position 511, A replaced by G.
Protein change: p.Met171Val; replaces methionine 171 with valine.
Molecular consequence: missense variant.
Genome position (GRCh38, 1-based): chr4:71,350,033, A>G. VCF-style: chr4-71350033-A-G. GRCh37 (hg19) VCF-style: chr4-72215750-A-G.
Other names: c.511A>G, p.Met171Val (NM_001134742.2); c.379A>G, p.Met127Val (NM_003759.4); short protein forms M171V, M127V.
Identifiers: ClinVar variation 349534 (VCV000349534.11), dbSNP rs139851720, ClinGen allele CA2954578.